The following is an entry in ClinVar:

ClinVar aggregate classification (germline): Uncertain significance (1 of 4 stars; one submission).

Submission:

Labcorp Genetics (formerly Invitae), Labcorp
Classification: Uncertain significance. Last evaluated: 2023-05-22. Review status: criteria provided, single submitter. Criteria: Invitae Variant Classification Sherloc (09022015). Collection method: clinical testing. Allele origin: germline.
Comment: In summary, the available evidence is currently insufficient to determine the role of this variant in disease. Therefore, it has been classified as a Variant of Uncertain Significance. Experimental studies and prediction algorithms are not available or were not evaluated, and the functional significance of this variant is currently unknown. This variant has not been reported in the literature in individuals affected with LZTR1-related conditions. This variant is not present in population databases (gnomAD no frequency). This variant, c.1859_1867del, results in the deletion of 3 amino acid(s) of the LZTR1 protein (p.Leu620_Ser622del), but otherwise preserves the integrity of the reading frame.

NM_006767.4(LZTR1):c.1859_1867del (p.Leu620_Ser622del)

Gene: LZTR1 (leucine zipper like post translational regulator 1; plus strand). Cytogenetic location: 22q11.21.
Variant type: Deletion.
Coding change: c.1859_1867del on transcript NM_006767.4 (MANE Select); coding-DNA positions 1859 to 1867, 9 bases deleted (TCTCCTCTC; older notation c.1859_1867delTCTCCTCTC).
Protein change: p.Leu620_Ser622del.
Molecular consequence: inframe deletion.
Genome position (GRCh38, 1-based): chr22:20,994,943-20,994,951, TCTCCTCTC deleted; deleting any 9 consecutive bases within chr22:20,994,942-20,994,951 gives the same sequence; the c. name uses the placement nearest the transcript's 3' end. VCF-style (leftmost placement, unchanged base first): chr22-20994941-CCTCTCCTCT-C. GRCh37 (hg19) VCF-style: chr22-21349230-CCTCTCCTCT-C.
Identifiers: ClinVar variation 2777475 (VCV002777475.3), dbSNP rs2518622473, ClinGen allele CA2739267814.